The following is an entry in ClinVar:

ClinVar aggregate classification (germline): Uncertain significance (1 of 4 stars; one submission).

Conditions:
Chuvash polycythemia. Also called: POLYCYTHEMIA, VHL-DEPENDENT. Identifiers: Orphanet 238557, MedGen C1837915, MONDO:0009892, OMIM 263400.
Von Hippel-Lindau syndrome (VHLS). Also called: VHL syndrome; von Hippel–Lindau syndrome; Von Hippel-Lindau. Identifiers: Orphanet 892, MedGen C0019562, MONDO:0008667, OMIM 193300. Disease mechanism: loss of function.

Submission:

Labcorp Genetics (formerly Invitae), Labcorp
Classification: Uncertain significance for Von Hippel-Lindau syndrome; Chuvash polycythemia. Last evaluated: 2024-06-18. Review status: criteria provided, single submitter. Criteria: Invitae Variant Classification Sherloc (09022015). Collection method: clinical testing. Allele origin: germline.
Comment: This sequence change falls in intron 1 of the VHL gene. It is not expected to change the encoded amino acid sequence of the VHL protein. However, this sequence change falls within a cryptic exon in the VHL gene, known as exon E1’, which is naturally expressed at low levels in several human tissues (PMID: 29891534). This variant is not present in population databases (gnomAD no frequency). This variant has not been reported in the literature in individuals affected with VHL-related conditions. Algorithms developed to predict the effect of sequence changes on RNA splicing suggest that this variant is not likely to affect RNA splicing. In summary, the available evidence is currently insufficient to determine the role of this variant in disease. Therefore, it has been classified as a Variant of Uncertain Significance.

Literature cited by the submitters: PubMed 29891534.

NM_000551.4(VHL):c.340+729A>G

Genes: VHL (von Hippel-Lindau tumor suppressor; plus strand), LOC107303340 (3p25 von Hippel-Lindau tumor suppressor, E3 ubiquitin protein ligase Alu-mediated recombination region; plus strand). Cytogenetic location: 3p25.3.
Variant type: single nucleotide variant.
Coding change: c.340+729A>G on transcript NM_000551.4 (MANE Select); 729 bases into the intron after coding-DNA position 340, A replaced by G.
Molecular consequence: intron variant. On other transcripts: missense variant (1), non-coding transcript variant (1).
Genome position (GRCh38, 1-based): chr3:10,142,916, A>G. VCF-style: chr3-10142916-A-G. GRCh37 (hg19) VCF-style: chr3-10184600-A-G.
Other names: c.494A>G, p.Tyr165Cys (NM_001354723.2); c.340+729A>G (NM_198156.3); short protein forms Y165C.
Identifiers: ClinVar variation 3752042 (VCV003752042.2).